The following is an entry in ClinVar:

ClinVar aggregate classification (germline): Uncertain significance (1 of 4 stars; one submission).

Allele frequency attached by ClinVar (database versions not stated): gnomAD 0.00001; ExAC 0.00002; gnomAD exomes 0.00002; TOPMed 0.00002.
gnomAD v4.1: 27 of 1,613,014 alleles (0.0017%); highest among the groups gnomAD compares: South Asian, 0.011%; no homozygotes.

Submission:

Labcorp Genetics (formerly Invitae), Labcorp
Classification: Uncertain significance. Last evaluated: 2024-02-24. Review status: criteria provided, single submitter. Criteria: Invitae Variant Classification Sherloc (09022015). Collection method: clinical testing. Allele origin: germline.
Comment: This sequence change replaces arginine, which is basic and polar, with glutamine, which is neutral and polar, at codon 139 of the NDUFS8 protein (p.Arg139Gln). This variant is present in population databases (rs770965378, gnomAD 0.007%). This variant has not been reported in the literature in individuals affected with NDUFS8-related conditions. ClinVar contains an entry for this variant (Variation ID: 1905665). An algorithm developed to predict the effect of missense changes on protein structure and function (PolyPhen-2) suggests that this variant is likely to be disruptive. In summary, the available evidence is currently insufficient to determine the role of this variant in disease. Therefore, it has been classified as a Variant of Uncertain Significance.

NM_002496.4(NDUFS8):c.416G>A (p.Arg139Gln)

Gene: NDUFS8 (NADH:ubiquinone oxidoreductase core subunit S8; plus strand). Cytogenetic location: 11q13.2.
Variant type: single nucleotide variant.
Coding change: c.416G>A on transcript NM_002496.4 (MANE Select); coding-DNA position 416, G replaced by A.
Protein change: p.Arg139Gln; replaces arginine 139 with glutamine.
Molecular consequence: missense variant.
Genome position (GRCh38, 1-based): chr11:68,036,296, G>A. VCF-style: chr11-68036296-G-A. GRCh37 (hg19) VCF-style: chr11-67803763-G-A.
Other names: short protein forms R139Q.
Identifiers: ClinVar variation 1905665 (VCV001905665.5), dbSNP rs770965378, ClinGen allele CA6146523.